The following is an entry in ClinVar:

NM_003001.5(SDHC):c.200T>C (p.Met67Thr)

Gene: SDHC (succinate dehydrogenase complex subunit C; plus strand). Cytogenetic location: 1q23.3.
Variant type: single nucleotide variant.
Coding change: c.200T>C on transcript NM_003001.5 (MANE Select); coding-DNA position 200, T replaced by C.
Protein change: p.Met67Thr; replaces methionine 67 with threonine.
Molecular consequence: missense variant.
Genome position (GRCh38, 1-based): chr1:161,340,614, T>C. VCF-style: chr1-161340614-T-C. GRCh37 (hg19) VCF-style: chr1-161310404-T-C.
Other names: c.200T>C, p.Met67Thr (NM_001035511.3); c.98T>C, p.Met33Thr (NM_001035512.3, NM_001278172.3, NM_001407118.1); c.41T>C, p.Met14Thr (NM_001035513.3); c.320T>C, p.Met107Thr (NM_001407115.1); c.143T>C, p.Met48Thr (NM_001407116.1, NM_001407117.1, NM_001407121.1); c.89T>C, p.Met30Thr (NM_001407119.1, NM_001407120.1); short protein forms M67T, M14T, M33T, M30T, M48T, M107T.
Identifiers: ClinVar variation 576498 (VCV000576498.16), dbSNP rs1287584713, ClinGen allele CA343365789.

ClinVar aggregate classification (germline): Uncertain significance. Review status: criteria provided, multiple submitters, no conflicts (2 of 4 stars). 3 submissions from 3 submitters: Uncertain significance (3). Last evaluated 2025-09-02.

Conditions:
Hereditary cancer-predisposing syndrome. Also called: Hereditary Cancer Syndrome; Tumor predisposition; Neoplastic Syndromes, Hereditary; Hereditary neoplastic syndrome. Identifiers: Orphanet 140162, MedGen C0027672, MeSH D009386, MONDO:0015356.
Hereditary pheochromocytoma and paraganglioma. Also called: Hereditary paragangliomas and pheochromocytomas; Hereditary Paraganglioma-Pheochromocytoma Syndromes; Hereditary pheochromocytoma-paraganglioma. Identifiers: Orphanet 29072, MedGen C4274332, MONDO:0017366.
Gastrointestinal stromal tumor. Also called: Gastrointestinal stromal tumor, somatic; Gastrointestinal stroma tumor. Identifiers: Orphanet 44890, MedGen C0238198, MeSH D046152, MONDO:0011719, OMIM 606764, HP:0100723.
Pheochromocytoma/paraganglioma syndrome 3. Also called: SDHC-Related Hereditary Paraganglioma-Pheochromocytoma Syndrome (Paragangliomas 3); SDHC-Related Hereditary Paraganglioma-Pheochromocytoma Syndrome; Paragangliomas 3; GLOMUS TUMORS, FAMILIAL, 3. Identifiers: Orphanet 29072, MedGen C1854336, MONDO:0011544, OMIM 605373.

Allele frequency attached by ClinVar (database versions not stated): gnomAD exomes below 0.00001.
gnomAD v4.1: 1 of 1,613,972 alleles (0.000062%); highest among the groups gnomAD compares: Non-Finnish European, 0.000085%; no homozygotes.

Submissions (3):

Ambry Genetics
Classification: Uncertain significance for Hereditary cancer-predisposing syndrome. Last evaluated: 2025-09-02. Review status: criteria provided, single submitter. Criteria: Ambry Variant Classification Scheme 2023. Collection method: clinical testing. Allele origin: germline.
Comment: The p.M67T variant (also known as c.200T>C), located in coding exon 4 of the SDHC gene, results from a T to C substitution at nucleotide position 200. The methionine at codon 67 is replaced by threonine, an amino acid with similar properties. This alteration, identified as a variant of unknown significance, was identified in an individual with a paraganglioma (Richter S et al. Genet. Med., 2019 03;21:705-717). This amino acid position is highly conserved in available vertebrate species. In addition, this alteration is predicted to be deleterious by in silico analysis. Since supporting evidence is limited at this time, the clinical significance of this alteration remains unclear.

Labcorp Genetics (formerly Invitae), Labcorp
Classification: Uncertain significance for Pheochromocytoma/paraganglioma syndrome 3; Gastrointestinal stromal tumor. Last evaluated: 2025-03-25. Review status: criteria provided, single submitter. Criteria: Invitae Variant Classification Sherloc (09022015). Collection method: clinical testing. Allele origin: germline.
Comment: This sequence change replaces methionine, which is neutral and non-polar, with threonine, which is neutral and polar, at codon 67 of the SDHC protein (p.Met67Thr). This variant is present in population databases (no rsID available, gnomAD 0.0009%). This missense change has been observed in individual(s) with clinical features of SDHC-related conditions (PMID: 30050099). ClinVar contains an entry for this variant (Variation ID: 576498). An algorithm developed to predict the effect of missense changes on protein structure and function (PolyPhen-2) suggests that this variant is likely to be disruptive. In summary, the available evidence is currently insufficient to determine the role of this variant in disease. Therefore, it has been classified as a Variant of Uncertain Significance.

All of Us Research Program, National Institutes of Health
Classification: Uncertain significance for Hereditary pheochromocytoma and paraganglioma. Last evaluated: 2023-05-16. Review status: criteria provided, single submitter. Criteria: ACMG Guidelines, 2015. Collection method: clinical testing. Allele origin: germline. Inheritance: Autosomal dominant inheritance. Observed: 1 variant allele, 1 heterozygote.
Comment: This missense variant replaces methionine with threonine at codon 67 of the SDHC protein. Computational prediction suggests that this variant may have deleterious impact on protein structure and function (internally defined REVEL score threshold >= 0.7, PMID: 27666373). To our knowledge, functional studies have not been reported for this variant. This variant has been reported in an individual affected with hereditary paranganglioma-pheochromocytoma syndrome (PMID: 30050099). This variant has been identified in 1/248998 chromosomes in the general population by the Genome Aggregation Database (gnomAD). The available evidence is insufficient to determine the role of this variant in disease conclusively. Therefore, this variant is classified as a Variant of Uncertain Significance.

This study involves interpretation of variants in research participants for the purpose of population health screening. Participant phenotype was not available at the time of variant classification. Additional details can be found in publication PMID: 35346344, PMCID: PMC8962531

Literature cited by the submitters: PubMed 30050099 (cited by 3 submitters).